The following is an entry in ClinVar:

ClinVar aggregate classification (germline): Uncertain significance (1 of 4 stars; one submission).

Conditions:
Ataxia-telangiectasia syndrome (AT). Also called: Ataxia-telangiectasia, complementation group D; AT, COMPLEMENTATION GROUP C; Ataxia-telangiectasia; Ataxia telangiectasia (A-T); LOUIS-BAR SYNDROME; Cerebello-oculocutaneous telangiectasia. Identifiers: Orphanet 100, MedGen C0004135, MONDO:0008840, OMIM 208900.

gnomAD v4.1: 1 of 1,613,912 alleles (0.000062%); highest among the groups gnomAD compares: South Asian, 0.0011%; no homozygotes.

Submission:

Labcorp Genetics (formerly Invitae), Labcorp
Classification: Uncertain significance for Ataxia-telangiectasia syndrome. Last evaluated: 2025-04-13. Review status: criteria provided, single submitter. Criteria: Invitae Variant Classification Sherloc (09022015). Collection method: clinical testing. Allele origin: germline.
Comment: This sequence change replaces glutamine, which is neutral and polar, with histidine, which is basic and polar, at codon 1839 of the ATM protein (p.Gln1839His). This variant is present in population databases (rs760942541, gnomAD 0.003%). This variant has not been reported in the literature in individuals affected with ATM-related conditions. Invitae Evidence Modeling of protein sequence and biophysical properties (such as structural, functional, and spatial information, amino acid conservation, physicochemical variation, residue mobility, and thermodynamic stability) indicates that this missense variant is not expected to disrupt ATM protein function with a negative predictive value of 95%. In summary, the available evidence is currently insufficient to determine the role of this variant in disease. Therefore, it has been classified as a Variant of Uncertain Significance.

NM_000051.4(ATM):c.5517G>T (p.Gln1839His)

Gene: ATM (ATM serine/threonine kinase; plus strand). Cytogenetic location: 11q22.3.
Variant type: single nucleotide variant.
Coding change: c.5517G>T on transcript NM_000051.4 (MANE Select); coding-DNA position 5517, G replaced by T.
Protein change: p.Gln1839His; replaces glutamine 1839 with histidine.
Molecular consequence: missense variant.
Genome position (GRCh38, 1-based): chr11:108,304,695, G>T. VCF-style: chr11-108304695-G-T. GRCh37 (hg19) VCF-style: chr11-108175422-G-T.
Other names: c.5517G>T, p.Gln1839His (NM_001351834.2); short protein forms Q1839H.
Identifiers: ClinVar variation 4747232 (VCV004747232.1).